The following is an entry in ClinVar:

ClinVar aggregate classification (germline): Uncertain significance. Review status: criteria provided, multiple submitters, no conflicts (2 of 4 stars). 4 submissions from 4 submitters: Uncertain significance (3). 1 of the submissions does not count toward it. Last evaluated 2025-08-29.

Conditions:
Hereditary cancer-predisposing syndrome. Also called: Hereditary Cancer Syndrome; Neoplastic Syndromes, Hereditary; Hereditary neoplastic syndrome; Tumor predisposition. Identifiers: Orphanet 140162, MedGen C0027672, MeSH D009386, MONDO:0015356.
Ataxia-telangiectasia syndrome (AT). Also called: Cerebello-oculocutaneous telangiectasia; Immunodeficiency with ataxia telangiectasia; Ataxia-telangiectasia, complementation group E; Ataxia-telangiectasia, complementation group D; AT, COMPLEMENTATION GROUP C; ATAXIA-TELANGIECTASIA, COMPLEMENTATION GROUP A. Identifiers: Orphanet 100, MedGen C0004135, MONDO:0008840, OMIM 208900.

Allele frequency attached by ClinVar (database versions not stated): gnomAD exomes below 0.00001.
gnomAD v4.1: 1 of 1,613,664 alleles (0.000062%); highest among the groups gnomAD compares: Middle Eastern, 0.017%; no homozygotes.

Submissions (4):

Ambry Genetics
Classification: Uncertain significance for Hereditary cancer-predisposing syndrome. Last evaluated: 2025-08-29. Review status: criteria provided, single submitter. Criteria: Ambry Variant Classification Scheme 2023. Collection method: clinical testing. Allele origin: germline.

Color Diagnostics, LLC DBA Color Health
Classification: Uncertain significance for Hereditary cancer-predisposing syndrome. Last evaluated: 2024-03-06. Review status: criteria provided, single submitter. Criteria: ACMG Guidelines, 2015. Collection method: clinical testing. Allele origin: germline.
Comment: This missense variant replaces cysteine with tyrosine at codon 353 of the ATM protein. Computational prediction suggests that this variant may have deleterious impact on protein structure and function (internally defined REVEL score threshold >= 0.7, PMID: 27666373). To our knowledge, functional studies have not been reported for this variant. This variant has not been reported in individuals affected with hereditary cancer in the literature. This variant has not been identified in the general population by the Genome Aggregation Database (gnomAD). The available evidence is insufficient to determine the role of this variant in disease conclusively. Therefore, this variant is classified as a Variant of Uncertain Significance.

Labcorp Genetics (formerly Invitae), Labcorp
Classification: Uncertain significance for Ataxia-telangiectasia syndrome. Last evaluated: 2023-10-04. Review status: criteria provided, single submitter. Criteria: Invitae Variant Classification Sherloc (09022015). Collection method: clinical testing. Allele origin: germline.
Comment: This sequence change replaces cysteine, which is neutral and slightly polar, with tyrosine, which is neutral and polar, at codon 353 of the ATM protein (p.Cys353Tyr). This variant is not present in population databases (gnomAD no frequency). This variant has not been reported in the literature in individuals affected with ATM-related conditions. ClinVar contains an entry for this variant (Variation ID: 818291). An algorithm developed to predict the effect of missense changes on protein structure and function (PolyPhen-2) suggests that this variant is likely to be disruptive. In summary, the available evidence is currently insufficient to determine the role of this variant in disease. Therefore, it has been classified as a Variant of Uncertain Significance.

Natera, Inc.
Classification: Uncertain significance for Ataxia-telangiectasia. Last evaluated: 2021-03-31. Review status: no assertion criteria provided. Collection method: clinical testing. Allele origin: germline. Not counted in ClinVar's aggregate classification.

NM_000051.4(ATM):c.1058G>A (p.Cys353Tyr)

Gene: ATM (ATM serine/threonine kinase; plus strand). Cytogenetic location: 11q22.3.
Variant type: single nucleotide variant.
Coding change: c.1058G>A on transcript NM_000051.4 (MANE Select); coding-DNA position 1058, G replaced by A.
Protein change: p.Cys353Tyr; replaces cysteine 353 with tyrosine.
Molecular consequence: missense variant.
Genome position (GRCh38, 1-based): chr11:108,247,120, G>A. VCF-style: chr11-108247120-G-A. GRCh37 (hg19) VCF-style: chr11-108117847-G-A.
Other names: c.1058G>A, p.Cys353Tyr (NM_001351834.2); short protein forms C353Y.
Identifiers: ClinVar variation 818291 (VCV000818291.11), dbSNP rs1591511538, ClinGen allele CA382531818.
Genomic context (GRCh38, chr11:108,247,120, plus strand): 5'-CTTCAGGATTTCGTAATATTGCCGTCAAAGAAAATTTGATTGAATTGATGGCAGATATCT[G>A]TCACCAGGTACAGTAAGTAGGTCATGTCACATTTAGAAATTTCCTGTTAATTTTTTTTTT-3'
Protein context (NP_000042.3, residues 343-363): ENLIELMADI[Cys353Tyr]HQVFNEDTRS